The following is an entry in ClinVar:

NM_001267550.2(TTN):c.56101A>G (p.Asn18701Asp)

Genes: TTN (titin; minus strand), TTN-AS1 (TTN antisense RNA 1; plus strand). Cytogenetic location: 2q31.2.
Variant type: single nucleotide variant.
Coding change: c.56101A>G on transcript NM_001267550.2 (MANE Select); coding-DNA position 56101, A replaced by G.
Protein change: p.Asn18701Asp; replaces asparagine 18701 with aspartic acid.
Molecular consequence: missense variant.
Genome position (GRCh38, 1-based): chr2:178,599,800, T>C on the plus strand (A>G on the coding strand, the complement: TTN is on the minus strand). VCF-style: chr2-178599800-T-C. GRCh37 (hg19) VCF-style: chr2-179464527-T-C.
Other names: p.N17060D:AAT>GAT; c.29482A>G, p.Asn9828Asp (NM_133437.4); c.51178A>G, p.Asn17060Asp (NM_001256850.1); c.28906A>G, p.Asn9636Asp (NM_003319.4); c.48397A>G, p.Asn16133Asp (NM_133378.4); c.29281A>G, p.Asn9761Asp (NM_133432.3); short protein forms N18701D, N16133D, N17060D, N9636D, N9761D, N9828D.
Identifiers: ClinVar variation 47110 (VCV000047110.35), dbSNP rs1001238, ClinGen allele CA283465.
Genomic context (GRCh38, chr2:178,599,800, plus strand): 5'-CTTTAAACCAGGTTAGTGTCGGGAATGGCACACCTTTAATTTTGGCCACAATGTTAACAT[T>C]GGTTCCTTCTTCAACCTCCATGAATTCTTTTAGATCAATTGATGGTGGGCCTAGATTATT-3'
Protein context (NP_001254479.2, residues 18691-18711): KEFMEVEEGT[Asn18701Asp]VNIVAKIKGV

ClinVar aggregate classification (germline): Benign/Likely benign. Review status: criteria provided, multiple submitters, no conflicts (2 of 4 stars). 23 submissions from 16 submitters: Benign (19); Likely benign (2). 2 of the submissions do not count toward it. Last evaluated 2026-02-04.

Conditions:
Dilated cardiomyopathy 1G (CMD1G). Identifiers: Orphanet 154, MedGen C1858763, MONDO:0011400, OMIM 604145.
Autosomal recessive limb-girdle muscular dystrophy type 2J (LGMDR10). Also called: MUSCULAR DYSTROPHY, LIMB-GIRDLE, AUTOSOMAL RECESSIVE 10; Limb-girdle muscular dystrophy, type 2J. Identifiers: Orphanet 140922, MedGen C1837342, MONDO:0012127, OMIM 608807.
Cardiovascular phenotype. Identifiers: MedGen CN230736.
Early-onset myopathy with fatal cardiomyopathy (CMYO5). Also called: CONGENITAL MYOPATHY 5 WITH CARDIOMYOPATHY; Salih Myopathy. Identifiers: Orphanet 289377, MedGen C2673677, MONDO:0012714, OMIM 611705. Disease mechanism: loss of function.
Myopathy, myofibrillar, 9, with early respiratory failure (MFM9). Also called: Myopathy, distal, with early respiratory failure, autosomal dominant; Hereditary myopathy with early respiratory failure; MYOPATHY, PROXIMAL, WITH EARLY RESPIRATORY MUSCLE INVOLVEMENT; EDSTROM MYOPATHY. Identifiers: Orphanet 178464, Orphanet 34521, MedGen C1863599, MONDO:0011362, OMIM 603689.
Tibial muscular dystrophy (TMD). Also called: Udd Distal Myopathy – Tibial Muscular Dystrophy; Tibial muscular dystrophy, tardive; UDD MYOPATHY. Identifiers: Orphanet 609, MedGen C1838244, MONDO:0010870, OMIM 600334.

Allele frequency attached by ClinVar (database versions not stated): gnomAD exomes 0.26857 and 0.35528; TOPMed 0.37730; ExAC 0.35535; 1000 Genomes Project 30x 0.50765; ESP Exome Variant Server 0.32205; gnomAD 0.35628 and 0.36270; 1000 Genomes Project 0.51278.
gnomAD v4.1: 448,252 of 1,607,130 alleles (28%); highest among the groups gnomAD compares: East Asian, 70%; 75,371 homozygotes.

Submissions (23):

Labcorp Genetics (formerly Invitae), Labcorp
Classification: Benign for Dilated cardiomyopathy 1G; Autosomal recessive limb-girdle muscular dystrophy type 2J. Last evaluated: 2026-02-04. Review status: criteria provided, single submitter. Criteria: Invitae Variant Classification Sherloc (09022015). Collection method: clinical testing. Allele origin: germline.

Molecular Diagnostic Laboratory for Inherited Cardiovascular Disease, Montreal Heart Institute
Classification: Benign. Last evaluated: 2025-04-09. Review status: criteria provided, single submitter. Criteria: ACMG Guidelines, 2015. Collection method: clinical testing. Allele origin: germline. Affected: no.

Genome-Nilou Lab
Classification: Benign for Autosomal recessive limb-girdle muscular dystrophy type 2J. Last evaluated: 2021-09-10. Review status: criteria provided, single submitter. Criteria: ACMG Guidelines, 2015. Collection method: clinical testing. Allele origin: germline. Affected: no.

Genome-Nilou Lab
Classification: Benign for Myopathy, myofibrillar, 9, with early respiratory failure. Last evaluated: 2021-09-10. Review status: criteria provided, single submitter. Criteria: ACMG Guidelines, 2015. Collection method: clinical testing. Allele origin: germline. Affected: no.

Genome-Nilou Lab
Classification: Benign for Early-onset myopathy with fatal cardiomyopathy. Last evaluated: 2021-09-10. Review status: criteria provided, single submitter. Criteria: ACMG Guidelines, 2015. Collection method: clinical testing. Allele origin: germline. Affected: no.

Genome-Nilou Lab
Classification: Benign for Tibial muscular dystrophy. Last evaluated: 2021-09-10. Review status: criteria provided, single submitter. Criteria: ACMG Guidelines, 2015. Collection method: clinical testing. Allele origin: germline. Affected: no.

Women's Health and Genetics/Laboratory Corporation of America, LabCorp
Classification: Likely benign. Last evaluated: 2020-08-18. Review status: criteria provided, single submitter. Criteria: LabCorp Variant Classification Summary - May 2015. Collection method: clinical testing. Allele origin: germline.

Athena Diagnostics
Classification: Benign. Last evaluated: 2018-11-02. Review status: criteria provided, single submitter. Criteria: Athena Diagnostics Criteria. Collection method: clinical testing. Allele origin: germline.

Illumina Laboratory Services, Illumina
Classification: Benign for Myopathy, myofibrillar, 9, with early respiratory failure. Last evaluated: 2018-01-13. Review status: criteria provided, single submitter. Criteria: ICSL Variant Classification Criteria 13 December 2019. Collection method: clinical testing. Allele origin: germline.
Comment: This variant was observed in the ICSL laboratory as part of a predisposition screen in an ostensibly healthy population. It had not been previously curated by ICSL or reported in the Human Gene Mutation Database (HGMD: prior to June 1st, 2018), and was therefore a candidate for classification through an automated scoring system. Utilizing variant allele frequency, disease prevalence and penetrance estimates, and inheritance mode, an automated score was calculated to assess if this variant is too frequent to cause the disease. Based on the score and internal cut-off values, a variant classified as benign is not then subjected to further curation. The score for this variant resulted in a classification of benign for this disease.

Illumina Laboratory Services, Illumina
Classification: Benign for Early-onset myopathy with fatal cardiomyopathy. Last evaluated: 2018-01-13. Review status: criteria provided, single submitter. Criteria: ICSL Variant Classification Criteria 13 December 2019. Collection method: clinical testing. Allele origin: germline.
Comment: the same text as in the submission from Illumina Laboratory Services, Illumina above.

Illumina Laboratory Services, Illumina
Classification: Benign for Dilated cardiomyopathy 1G. Last evaluated: 2018-01-13. Review status: criteria provided, single submitter. Criteria: ICSL Variant Classification Criteria 13 December 2019. Collection method: clinical testing. Allele origin: germline.
Comment: the same text as in the submission from Illumina Laboratory Services, Illumina above.

Illumina Laboratory Services, Illumina
Classification: Benign for Autosomal recessive limb-girdle muscular dystrophy type 2J. Last evaluated: 2018-01-13. Review status: criteria provided, single submitter. Criteria: ICSL Variant Classification Criteria 13 December 2019. Collection method: clinical testing. Allele origin: germline.
Comment: the same text as in the submission from Illumina Laboratory Services, Illumina above.

Illumina Laboratory Services, Illumina
Classification: Benign for Tibial muscular dystrophy. Last evaluated: 2018-01-13. Review status: criteria provided, single submitter. Criteria: ICSL Variant Classification Criteria 13 December 2019. Collection method: clinical testing. Allele origin: germline.
Comment: the same text as in the submission from Illumina Laboratory Services, Illumina above.

Mayo Clinic Laboratories, Mayo Clinic
Classification: Benign. Last evaluated: 2017-08-24. Review status: criteria provided, single submitter. Criteria: ACMG Guidelines, 2015. Collection method: clinical testing. Allele origin: germline. Observed: 1,171 variant alleles.

Genetic Services Laboratory, University of Chicago
Classification: Benign for AllHighlyPenetrant. Last evaluated: 2013-08-15. Review status: criteria provided, single submitter. Criteria: ACMG Guidelines, 2007. Collection method: clinical testing. Allele origin: germline.

Biesecker Lab/Clinical Genomics Section, National Institutes of Health
Classification: Benign. Last evaluated: 2013-06-24. Review status: criteria provided, single submitter. Criteria: Ng et al. (Circ Cardiovasc Genet. 2013). Collection method: research. Allele origin: unknown. Observed: 307 variant alleles. Study: ClinSeq.
Comment: The study set was not selected for affection status in relation to any cancer. Pathogenicity categories were based on literature curation. See Pubmed ID:23861362 for details.

Medical sequencing

Ambry Genetics
Classification: Benign for Cardiovascular phenotype. Last evaluated: 2013-01-16. Review status: criteria provided, single submitter. Criteria: Ambry Autosomal Dominant and X-Linked criteria (10/2015). Collection method: clinical testing. Allele origin: germline. Observed: 1 variant allele.

GeneDx
Classification: Benign. Last evaluated: 2012-10-31. Review status: criteria provided, single submitter. Criteria: GeneDx Variant Classification (06012015). Collection method: clinical testing. Allele origin: germline. Affected: yes.
Comment: This variant is considered likely benign or benign based on one or more of the following criteria: it is a conservative change, it occurs at a poorly conserved position in the protein, it is predicted to be benign by multiple in silico algorithms, and/or has population frequency not consistent with disease.

Laboratory for Molecular Medicine, Mass General Brigham Personalized Medicine
Classification: Benign. Last evaluated: 2011-09-27. Review status: criteria provided, single submitter. Criteria: LMM Criteria. Collection method: clinical testing. Allele origin: germline. Observed: 954 variant alleles.

Breakthrough Genomics
Classification: Likely benign. Review status: criteria provided, single submitter. Criteria: ACMG Guidelines, 2015. Collection method: not provided. Allele origin: germline. Inheritance: Autosomal recessive inheritance. Affected: yes.

PreventionGenetics, part of Exact Sciences
Classification: Benign. Review status: criteria provided, single submitter. Criteria: ACMG Guidelines, 2015. Collection method: clinical testing. Allele origin: germline.

Clinical Genetics DNA and cytogenetics Diagnostics Lab, Erasmus MC, Erasmus Medical Center
Classification: Benign. Review status: no assertion criteria provided. Collection method: clinical testing. Allele origin: germline. Affected: yes. Study: VKGL Data-share Consensus. Not counted in ClinVar's aggregate classification.

Clinical Genetics, Academic Medical Center
Classification: Benign. Review status: no assertion criteria provided. Collection method: clinical testing. Allele origin: germline. Affected: yes. Study: VKGL Data-share Consensus. Not counted in ClinVar's aggregate classification.